The following is an entry in ClinVar:

ClinVar aggregate classification (germline): Pathogenic (1 of 4 stars; one submission).

Conditions:
Primary dilated cardiomyopathy (DCM). Also called: Dilated Cardiomyopathy. Identifiers: Orphanet 217604, MedGen C0007193, MeSH D002311, MONDO:0005021, HP:0001644. Inheritance: Various modes of inheritance.

Submission:

Laboratory for Molecular Medicine, Mass General Brigham Personalized Medicine
Classification: Pathogenic for Primary dilated cardiomyopathy. Last evaluated: 2015-10-01. Review status: criteria provided, single submitter. Criteria: LMM Criteria. Collection method: clinical testing. Allele origin: germline. Inheritance: Autosomal dominant inheritance. Observed: 2 variant alleles.
Comment: The p.Arg835fs variant in MYBPC3 has not been previously reported in individuals with cardiomyopathy or in large population studies. This variant is predicted t o cause a frameshift, which alters the protein?s amino acid sequence beginning a t position 835 and leads to a premature termination codon 2 amino acids downstre am. This alteration is then predicted to lead to a truncated or absent protein. In summary, this variant meets our criteria to be classified as pathogenic.

NM_000256.3(MYBPC3):c.2504del (p.Arg835fs)

Gene: MYBPC3 (myosin binding protein C3; minus strand). Cytogenetic location: 11p11.2.
Variant type: Deletion.
Coding change: c.2504del on transcript NM_000256.3 (MANE Select); coding-DNA position 2504, one base deleted (G; older notation c.2504delG).
Protein change: p.Arg835fs; shifts the reading frame from arginine 835.
Molecular consequence: frameshift variant.
Genome position (GRCh38, 1-based): chr11:47,337,489, C deleted on the plus strand (G on the coding strand, the reverse complement: MYBPC3 is on the minus strand). VCF-style (leftmost placement, unchanged base first): chr11-47337488-GC-G. GRCh37 (hg19) VCF-style: chr11-47359039-GC-G.
Other names: c.2504delG (NM_000256.3); c.2504del, p.Arg835fs (LRG_386t1); short protein forms R835fs.
Identifiers: ClinVar variation 228369 (VCV000228369.4), dbSNP rs876657704, ClinGen allele CA10576886.
Genomic context (GRCh38, chr11:47,337,488, plus strand): 5'-GGACATGCCGATGGCGTTGACCGCGTAGACGCGCATCTCGTACACCACGCCCTCGATCAT[GC>G]GCCGCGCTTCATGACTCAGCTCCTGAATCAGGTCGAAGTTCAGCCGCATCCACCGGTAGC-3'